The following is an entry in ClinVar:

NM_017617.5(NOTCH1):c.4870G>C (p.Glu1624Gln)

Gene: NOTCH1 (notch receptor 1; minus strand). Cytogenetic location: 9q34.3.
Variant type: single nucleotide variant.
Coding change: c.4870G>C on transcript NM_017617.5 (MANE Select); coding-DNA position 4870, G replaced by C.
Protein change: p.Glu1624Gln; replaces glutamic acid 1624 with glutamine.
Molecular consequence: missense variant.
Genome position (GRCh38, 1-based): chr9:136,504,821, C>G on the plus strand (G>C on the coding strand, the complement: NOTCH1 is on the minus strand). VCF-style: chr9-136504821-C-G. GRCh37 (hg19) VCF-style: chr9-139399273-C-G.
Other names: short protein forms E1624Q.
Identifiers: ClinVar variation 1009777 (VCV001009777.10), dbSNP rs1843052920, ClinGen allele CA375644601.

ClinVar aggregate classification (germline): Uncertain significance. Review status: criteria provided, multiple submitters, no conflicts (2 of 4 stars). 2 submissions from 2 submitters: Uncertain significance (2). Last evaluated 2023-09-01.

Conditions:
Adams-Oliver syndrome 5 (AOS5). Identifiers: Orphanet 974, MedGen C4014970, MONDO:0014459, OMIM 616028.
Familial thoracic aortic aneurysm and aortic dissection (TAAD). Also called: Thoracic aortic aneurysms and dissections. Identifiers: Orphanet 91387, MedGen C4707243, MONDO:0019625.

Submissions (2):

Labcorp Genetics (formerly Invitae), Labcorp
Classification: Uncertain significance for Adams-Oliver syndrome 5. Last evaluated: 2023-09-01. Review status: criteria provided, single submitter. Criteria: Invitae Variant Classification Sherloc (09022015). Collection method: clinical testing. Allele origin: germline.
Comment: In summary, the available evidence is currently insufficient to determine the role of this variant in disease. Therefore, it has been classified as a Variant of Uncertain Significance. Advanced modeling of protein sequence and biophysical properties (such as structural, functional, and spatial information, amino acid conservation, physicochemical variation, residue mobility, and thermodynamic stability) performed at Invitae indicates that this missense variant is not expected to disrupt NOTCH1 protein function. ClinVar contains an entry for this variant (Variation ID: 1009777). This variant has not been reported in the literature in individuals affected with NOTCH1-related conditions. This variant is not present in population databases (gnomAD no frequency). This sequence change replaces glutamic acid, which is acidic and polar, with glutamine, which is neutral and polar, at codon 1624 of the NOTCH1 protein (p.Glu1624Gln).

Ambry Genetics
Classification: Uncertain significance for Familial thoracic aortic aneurysm and aortic dissection. Last evaluated: 2018-04-10. Review status: criteria provided, single submitter. Criteria: Ambry Variant Classification Scheme 2023. Collection method: clinical testing. Allele origin: germline.
Comment: The p.E1624Q variant (also known as c.4870G>C), located in coding exon 26 of the NOTCH1 gene, results from a G to C substitution at nucleotide position 4870. The glutamic acid at codon 1624 is replaced by glutamine, an amino acid with highly similar properties. This amino acid position is not well conserved in available vertebrate species. In addition, this alteration is predicted to be tolerated by in silico analysis. Since supporting evidence is limited at this time, the clinical significance of this alteration remains unclear.